The following is an entry in ClinVar:

ClinVar aggregate classification (germline): Uncertain significance (1 of 4 stars; one submission).

Conditions:
EGFR-related lung cancer (EGFR). Identifiers: MedGen CN130014.

Submission:

Labcorp Genetics (formerly Invitae), Labcorp
Classification: Uncertain significance for EGFR-related lung cancer. Last evaluated: 2025-12-10. Review status: criteria provided, single submitter. Criteria: Invitae Variant Classification Sherloc (09022015). Collection method: clinical testing. Allele origin: germline.
Comment: This sequence change replaces glycine, which is neutral and non-polar, with alanine, which is neutral and non-polar, at codon 930 of the EGFR protein (p.Gly930Ala). This variant is not present in population databases (gnomAD no frequency). This variant has not been reported in the literature in individuals affected with EGFR-related conditions. Invitae Evidence Modeling of protein sequence and biophysical properties (such as structural, functional, and spatial information, amino acid conservation, physicochemical variation, residue mobility, and thermodynamic stability) indicates that this missense variant is expected to disrupt EGFR protein function with a positive predictive value of 80%. In summary, the available evidence is currently insufficient to determine the role of this variant in disease. Therefore, it has been classified as a Variant of Uncertain Significance.

NM_005228.5(EGFR):c.2789G>C (p.Gly930Ala)

Gene: EGFR (epidermal growth factor receptor; plus strand). Cytogenetic location: 7p11.2.
Variant type: single nucleotide variant.
Coding change: c.2789G>C on transcript NM_005228.5 (MANE Select); coding-DNA position 2789, G replaced by C.
Protein change: p.Gly930Ala; replaces glycine 930 with alanine.
Molecular consequence: missense variant.
Genome position (GRCh38, 1-based): chr7:55,198,804, G>C. VCF-style: chr7-55198804-G-C. GRCh37 (hg19) VCF-style: chr7-55266497-G-C.
Other names: c.2654G>C, p.Gly885Ala (NM_001346897.2, NM_001346899.2); c.2789G>C, p.Gly930Ala (NM_001346898.2); c.2630G>C, p.Gly877Ala (NM_001346900.2); c.1988G>C, p.Gly663Ala (NM_001346941.2); short protein forms G877A, G930A, G663A, G885A.
Identifiers: ClinVar variation 4730594 (VCV004730594.1).